The following is an entry in ClinVar:

NM_001080414.4(CCDC88C):c.5675A>C (p.Lys1892Thr)

Gene: CCDC88C (coiled-coil and HOOK domain protein 88C; minus strand). Cytogenetic location: 14q32.11.
Variant type: single nucleotide variant.
Coding change: c.5675A>C on transcript NM_001080414.4 (MANE Select); coding-DNA position 5675, A replaced by C.
Protein change: p.Lys1892Thr; replaces lysine 1892 with threonine.
Molecular consequence: missense variant.
Genome position (GRCh38, 1-based): chr14:91,273,037, T>G on the plus strand (A>C on the coding strand, the complement: CCDC88C is on the minus strand). VCF-style: chr14-91273037-T-G. GRCh37 (hg19) VCF-style: chr14-91739381-T-G.
Other names: short protein forms K1892T.
Identifiers: ClinVar variation 2017847 (VCV002017847.4), dbSNP rs2544238655, ClinGen allele CA390609159.

ClinVar aggregate classification (germline): Uncertain significance (1 of 4 stars; one submission).

Submission:

Labcorp Genetics (formerly Invitae), Labcorp
Classification: Uncertain significance. Last evaluated: 2024-08-19. Review status: criteria provided, single submitter. Criteria: Invitae Variant Classification Sherloc (09022015). Collection method: clinical testing. Allele origin: germline.
Comment: This sequence change replaces lysine, which is basic and polar, with threonine, which is neutral and polar, at codon 1892 of the CCDC88C protein (p.Lys1892Thr). This variant is not present in population databases (gnomAD no frequency). This variant has not been reported in the literature in individuals affected with CCDC88C-related conditions. ClinVar contains an entry for this variant (Variation ID: 2017847). An algorithm developed to predict the effect of missense changes on protein structure and function (PolyPhen-2) suggests that this variant is likely to be disruptive. In summary, the available evidence is currently insufficient to determine the role of this variant in disease. Therefore, it has been classified as a Variant of Uncertain Significance.